The following is an entry in ClinVar:

NM_000166.6(GJB1):c.513C>G (p.Tyr171Ter)

Gene: GJB1 (gap junction protein beta 1; plus strand). Cytogenetic location: Xq13.1.
Variant type: single nucleotide variant.
Coding change: c.513C>G on transcript NM_000166.6 (MANE Select); coding-DNA position 513, C replaced by G.
Protein change: p.Tyr171Ter; replaces tyrosine 171 with a stop codon.
Molecular consequence: nonsense.
Genome position (GRCh38, 1-based): chrX:71,224,220, C>G. VCF-style: chrX-71224220-C-G. GRCh37 (hg19) VCF-style: chrX-70444070-C-G.
Other names: c.513C>G, p.Tyr171Ter (NM_001097642.3); short protein forms Y171*.
Identifiers: ClinVar variation 943021 (VCV000943021.10), dbSNP rs2092545247, ClinGen allele CA413502899.

ClinVar aggregate classification (germline): Pathogenic. Review status: criteria provided, multiple submitters, no conflicts (2 of 4 stars). 2 submissions from 2 submitters: Pathogenic (2). Last evaluated 2024-11-06.

Conditions:
Charcot-Marie-Tooth Neuropathy X. Identifiers: MedGen CN118851.

Submissions (2):

Athena Diagnostics
Classification: Pathogenic. Last evaluated: 2024-11-06. Review status: criteria provided, single submitter. Criteria: Athena Diagnostics Criteria. Collection method: clinical testing. Allele origin: unknown.
Comment: This variant has not been reported in large, multi-ethnic general populations. This variant is not expected to cause loss of protein expression through nonsense-mediated decay. However, it disrupts a critical region of the protein, and therefore, is expected to severely disrupt its function. This variant has been identified in at least one individual tested at Athena Diagnostics with clinical features associated with this gene.

Labcorp Genetics (formerly Invitae), Labcorp
Classification: Pathogenic for Charcot-Marie-Tooth Neuropathy X. Last evaluated: 2023-06-28. Review status: criteria provided, single submitter. Criteria: Invitae Variant Classification Sherloc (09022015). Collection method: clinical testing. Allele origin: germline.
Comment: For these reasons, this variant has been classified as Pathogenic. This variant disrupts a region of the GJB1 protein in which other variant(s) (p.Arg220*) have been determined to be pathogenic (PMID: 7477983, 8162049, 9364054, 9592087, 21291455). This suggests that this is a clinically significant region of the protein, and that variants that disrupt it are likely to be disease-causing. ClinVar contains an entry for this variant (Variation ID: 943021). This premature translational stop signal has been observed in individuals with Charcot-Marie-Tooth disease (PMID: 28902413; Invitae). This variant is not present in population databases (gnomAD no frequency). This sequence change creates a premature translational stop signal (p.Tyr171*) in the GJB1 gene. While this is not anticipated to result in nonsense mediated decay, it is expected to disrupt the last 113 amino acid(s) of the GJB1 protein.

Literature cited by the submitters: PubMed 7477983 (cited by Labcorp Genetics (formerly Invitae), Labcorp); PubMed 8162049 (cited by Labcorp Genetics (formerly Invitae), Labcorp); PubMed 9364054 (cited by Labcorp Genetics (formerly Invitae), Labcorp); PubMed 9592087 (cited by Labcorp Genetics (formerly Invitae), Labcorp); PubMed 21291455 (cited by Labcorp Genetics (formerly Invitae), Labcorp); PubMed 28902413 (cited by Labcorp Genetics (formerly Invitae), Labcorp).